The following is an entry in ClinVar:

ClinVar aggregate classification (germline): Uncertain significance (1 of 4 stars; one submission).

Conditions:
Ichthyosis vulgaris. Also called: ICHTHYOSIS SIMPLEX; Dominant ichthyosis vulgaris. Identifiers: MedGen C0079584, MONDO:0024304, OMIM 146700.
Dermatitis, atopic, 2. Identifiers: MedGen C1853965, MONDO:0011596, OMIM 605803.

Submission:

Juno Genomics, Hangzhou Juno Genomics, Inc
Classification: Uncertain significance for Dermatitis, atopic, 2; Ichthyosis vulgaris. Review status: criteria provided, single submitter. Criteria: ACMG Guidelines, 2015. Collection method: clinical testing. Allele origin: germline.
Comment: Absent from controls (or at extremely low frequency if recessive) in Genome Aggregation Database.;Null variant in a gene where loss of function (LOF) is a known mechanism of disease.

NM_002016.2(FLG):c.1640del (p.Ser547fs)

Genes: CCDST (cervical cancer associated DHX9 suppressive transcript; plus strand), FLG (filaggrin; minus strand). Cytogenetic location: 1q21.3.
Variant type: Deletion.
Coding change: c.1640del on transcript NM_002016.2 (MANE Select); coding-DNA position 1640, one base deleted (G; older notation c.1640delG).
Protein change: p.Ser547fs; shifts the reading frame from serine 547.
Molecular consequence: frameshift variant.
Genome position (GRCh38, 1-based): chr1:152,313,246, C deleted on the plus strand (G on the coding strand, the reverse complement: FLG is on the minus strand). VCF-style (leftmost placement, unchanged base first): chr1-152313245-GC-G. GRCh37 (hg19) VCF-style: chr1-152285721-GC-G.
Other names: short protein forms S547fs.
Identifiers: ClinVar variation 5019541 (VCV005019541.2).